The following is an entry in ClinVar:

ClinVar aggregate classification (germline): Benign. Review status: criteria provided, multiple submitters, no conflicts (2 of 4 stars). 6 submissions from 6 submitters: Benign (5). 1 of the submissions does not count toward it. Last evaluated 2026-02-01.

Conditions:
MCM2-related disorder. Also called: MCM2-related condition.

Allele frequency attached by ClinVar (database versions not stated): 1000 Genomes Project 0.00140; 1000 Genomes Project 30x 0.00187; gnomAD exomes 0.00456 and 0.00691; TOPMed 0.00473; ExAC 0.00482; gnomAD 0.00495 and 0.00512; ESP Exome Variant Server 0.00523.
gnomAD v4.1: 10,707 of 1,614,102 alleles (0.66%); highest among the groups gnomAD compares: Non-Finnish European, 0.84%; 44 homozygotes.

Submissions (6):

Labcorp Genetics (formerly Invitae), Labcorp
Classification: Benign. Last evaluated: 2026-02-01. Review status: criteria provided, single submitter. Criteria: Invitae Variant Classification Sherloc (09022015). Collection method: clinical testing. Allele origin: germline.

Mayo Clinic Laboratories, Mayo Clinic
Classification: Benign. Last evaluated: 2021-07-06. Review status: criteria provided, single submitter. Criteria: ACMG Guidelines, 2015. Collection method: clinical testing. Allele origin: germline. Observed: 3 variant alleles.

Athena Diagnostics
Classification: Benign. Last evaluated: 2020-03-27. Review status: criteria provided, single submitter. Criteria: Athena Diagnostics Criteria. Collection method: clinical testing. Allele origin: unknown.

GeneDx
Classification: Benign. Last evaluated: 2019-04-08. Review status: criteria provided, single submitter. Criteria: GeneDx Variant Classification Process June 2021. Collection method: clinical testing. Allele origin: germline. Affected: yes.

Breakthrough Genomics
Classification: Benign. Review status: criteria provided, single submitter. Criteria: ACMG Guidelines, 2015. Collection method: not provided. Allele origin: germline. Inheritance: Autosomal dominant inheritance. Affected: yes.

PreventionGenetics, part of Exact Sciences
Classification: Benign for MCM2-related condition. Last evaluated: 2019-04-08. Review status: no assertion criteria provided. Collection method: clinical testing. Allele origin: germline. Not counted in ClinVar's aggregate classification.
Comment: This variant is classified as benign based on ACMG/AMP sequence variant interpretation guidelines (Richards et al. 2015 PMID: 25741868, with internal and published modifications).

NM_004526.4(MCM2):c.2370C>T (p.Asp790=)

Genes: MCM2 (minichromosome maintenance complex component 2; plus strand), LOC107986126 (uncharacterized LOC107986126; minus strand). Cytogenetic location: 3q21.3.
Variant type: single nucleotide variant.
Coding change: c.2370C>T on transcript NM_004526.4 (MANE Select); coding-DNA position 2370, C replaced by T.
Protein change: p.Asp790=; no amino-acid change (aspartic acid 790 retained).
Molecular consequence: synonymous variant. On other transcripts: non-coding transcript variant (1).
Genome position (GRCh38, 1-based): chr3:127,620,802, C>T. VCF-style: chr3-127620802-C-T. GRCh37 (hg19) VCF-style: chr3-127339645-C-T.
Other names: p.Asp790=.
Identifiers: ClinVar variation 508631 (VCV000508631.17), dbSNP rs143447982, ClinGen allele CA2596211.